The following is an entry in ClinVar:

ClinVar aggregate classification (germline): Uncertain significance (1 of 4 stars; one submission).

Submission:

GeneDx
Classification: Uncertain significance. Last evaluated: 2024-05-03. Review status: criteria provided, single submitter. Criteria: GeneDx Variant Classification Process June 2021. Collection method: clinical testing. Allele origin: germline. Affected: yes.
Comment: Not observed at significant frequency in large population cohorts (gnomAD); In silico analysis supports that this missense variant has a deleterious effect on protein structure/function; Has not been previously published as pathogenic or benign to our knowledge

NM_001378454.1(ALMS1):c.6955A>G (p.Arg2319Gly)

Gene: ALMS1 (ALMS1 centrosome and basal body associated protein; plus strand). Cytogenetic location: 2p13.1.
Variant type: single nucleotide variant.
Coding change: c.6955A>G on transcript NM_001378454.1 (MANE Select); coding-DNA position 6955, A replaced by G.
Protein change: p.Arg2319Gly; replaces arginine 2319 with glycine.
Molecular consequence: missense variant.
Genome position (GRCh38, 1-based): chr2:73,453,482, A>G. VCF-style: chr2-73453482-A-G. GRCh37 (hg19) VCF-style: chr2-73680609-A-G.
Other names: c.6958A>G, p.Arg2320Gly (NM_015120.4); short protein forms R2319G, R2320G.
Identifiers: ClinVar variation 3373283 (VCV003373283.1).